The following is an entry in ClinVar:

NM_000719.7(CACNA1C):c.5528A>G (p.His1843Arg)

Genes: CACNA1C (calcium voltage-gated channel subunit alpha1 C; plus strand), CACNA1C-AS1 (CACNA1C antisense RNA 1; minus strand). Cytogenetic location: 12p13.33.
Variant type: single nucleotide variant.
Coding change: c.5528A>G on transcript NM_000719.7 (MANE Select); coding-DNA position 5528, A replaced by G.
Protein change: p.His1843Arg; replaces histidine 1843 with arginine.
Molecular consequence: missense variant.
Genome position (GRCh38, 1-based): chr12:2,682,633, A>G. VCF-style: chr12-2682633-A-G. GRCh37 (hg19) VCF-style: chr12-2791799-A-G.
Other names: c.5672A>G, p.His1891Arg (NM_001129827.2); c.5651A>G, p.His1884Arg (NM_001129829.2); c.5633A>G, p.His1878Arg (NM_001129830.3, NM_001167624.3); c.5612A>G, p.His1871Arg (NM_001129831.2); c.5588A>G, p.His1863Arg (NM_001129832.2); c.5585A>G, p.His1862Arg (NM_001129833.2, NM_001129834.2, NM_001129835.2); c.5579A>G, p.His1860Arg (NM_001129836.2); c.5552A>G, p.His1851Arg (NM_001129837.2, NM_001129838.2); and 6 more; short protein forms H1832R, H1840R, H1843R, H1849R, H1851R, H1860R, H1862R, H1863R.
Identifiers: ClinVar variation 1805658 (VCV001805658.1), dbSNP rs2097204030, ClinGen allele CA383380945.

ClinVar aggregate classification (germline): Uncertain significance (1 of 4 stars; one submission).

Conditions:
Timothy syndrome (TS). Also called: LONG QT SYNDROME WITH SYNDACTYLY. Identifiers: Orphanet 65283, MedGen C1832916, MeSH C536962, MONDO:0010979, OMIM 601005.

Allele frequency attached by ClinVar (database versions not stated): gnomAD exomes 0.00003; TOPMed below 0.00001; gnomAD 0.00001.
gnomAD v4.1: 46 of 1,612,366 alleles (0.0029%); highest among the groups gnomAD compares: Non-Finnish European, 0.0037%; no homozygotes.

Submission:

Victorian Clinical Genetics Services, Murdoch Childrens Research Institute
Classification: Uncertain significance for Timothy syndrome. Last evaluated: 2021-05-06. Review status: criteria provided, single submitter. Criteria: ACMG Guidelines, 2015. Collection method: clinical testing. Allele origin: germline. Inheritance: Autosomal dominant inheritance. Affected: yes.
Comment: Based on the classification scheme VCGS_Germline_v1.3.4, this variant is classified as VUS-3C. Following criteria are met: 0101 - Gain of function is a known mechanism of disease in this gene and is associated with Long QT syndrome 8 (MIM #618447), and Timothy syndrome (MIM#601005). Missense variants result in loss of channel inactivation, and increased current (OMIM, PMID: 25260352). (I) 0107 - This gene is associated with autosomal dominant disease. (I) 0200 - Variant is predicted to result in a missense amino acid change from histidine to arginine. (I) 0251 - This variant is heterozygous. (I) 0302 - Variant is present in gnomAD (v3) <0.001 for a dominant condition (1 heterozygote, 0 homozygotes). (SP) 0309 - An alternative amino acid change at the same position in a different transcript has been observed in gnomAD (v2) (1 heterozygote, 0 homozygotes). (I) 0503 - Missense variant consistently predicted to be tolerated by multiple in silico tools or not conserved in placental mammals with a minor amino acid change. (SB) 0600 - Variant is located in the annotated C-terminal voltage-gated calcium channel subunit alpha domain (NCBI gene). (I) 0705 - No comparable missense variants have previous evidence for pathogenicity. (I) 0807 - This variant has no previous evidence of pathogenicity. (I) 0905 - No published segregation evidence has been identified for this variant. (I) 1007 - No published functional evidence has been identified for this variant. (I) 1208 - Inheritance information for this variant is not currently available in this individual. (I) Legend: (SP) - Supporting pathogenic, (I) - Information, (SB) - Supporting benign

Literature cited by the submitters: PubMed 25260352.